The following is an entry in ClinVar:

NM_004628.5(XPC):c.1988_1989del (p.Thr663fs)

Gene: XPC (XPC complex subunit, DNA damage recognition and repair factor; minus strand). Cytogenetic location: 3p25.1.
Variant type: Deletion.
Coding change: c.1988_1989del on transcript NM_004628.5 (MANE Select); coding-DNA positions 1988 to 1989, 2 bases deleted (CA; older notation c.1988_1989delCA).
Protein change: p.Thr663fs; shifts the reading frame from threonine 663.
Molecular consequence: frameshift variant. On other transcripts: intron variant (1).
Genome position (GRCh38, 1-based): chr3:14,156,379-14,156,380, TG deleted on the plus strand (CA on the coding strand, the reverse complement: XPC is on the minus strand); deleting any 2 consecutive bases within chr3:14,156,379-14,156,381 gives the same sequence; the c. name uses the placement nearest the transcript's 3' end. VCF-style (leftmost placement, unchanged base first): chr3-14156378-CTG-C. GRCh37 (hg19) VCF-style: chr3-14197878-CTG-C.
Other names: c.1409_1410del, p.Thr470fs (NM_001354726.2); c.1970_1971del, p.Thr657fs (NM_001354729.2); c.1742_1743del, p.Thr581fs (NM_001354730.2); c.1872+1631_1872+1632del (NM_001354727.2); short protein forms T470fs, T581fs, T657fs, T663fs.
Identifiers: ClinVar variation 1380921 (VCV001380921.6), dbSNP rs2125021778, ClinGen allele CA2573136056.

ClinVar aggregate classification (germline): Pathogenic (1 of 4 stars; one submission).

Submission:

Labcorp Genetics (formerly Invitae), Labcorp
Classification: Pathogenic. Last evaluated: 2021-03-22. Review status: criteria provided, single submitter. Criteria: Invitae Variant Classification Sherloc (09022015). Collection method: clinical testing. Allele origin: germline.
Comment: This variant is not present in population databases (ExAC no frequency). This variant has not been reported in the literature in individuals with XPC-related conditions. For these reasons, this variant has been classified as Pathogenic. This sequence change creates a premature translational stop signal (p.Thr663Serfs*49) in the XPC gene. It is expected to result in an absent or disrupted protein product. Loss-of-function variants in XPC are known to be pathogenic (PMID: 23173980, 25256075).

Literature cited by the submitters: PubMed 23173980; PubMed 25256075.